The following is an entry in ClinVar:

ClinVar aggregate classification (germline): Uncertain significance (1 of 4 stars; one submission).

Allele frequency attached by ClinVar (database versions not stated): TOPMed below 0.00001; gnomAD 0.00001; gnomAD exomes 0.00001.
gnomAD v4.1: 10 of 1,456,542 alleles (0.00069%); highest among the groups gnomAD compares: Non-Finnish European, 0.0009%; no homozygotes.

Submission:

Labcorp Genetics (formerly Invitae), Labcorp
Classification: Uncertain significance. Last evaluated: 2024-04-25. Review status: criteria provided, single submitter. Criteria: Invitae Variant Classification Sherloc (09022015). Collection method: clinical testing. Allele origin: germline.
Comment: This sequence change falls in intron 1 of the AFG3L2 gene. It does not directly change the encoded amino acid sequence of the AFG3L2 protein. It affects a nucleotide within the consensus splice site. This variant is not present in population databases (gnomAD no frequency). This variant has not been reported in the literature in individuals affected with AFG3L2-related conditions. ClinVar contains an entry for this variant (Variation ID: 2119289). Variants that disrupt the consensus splice site are a relatively common cause of aberrant splicing (PMID: 17576681, 9536098). Algorithms developed to predict the effect of sequence changes on RNA splicing suggest that this variant is not likely to affect RNA splicing. In summary, the available evidence is currently insufficient to determine the role of this variant in disease. Therefore, it has been classified as a Variant of Uncertain Significance.

Literature cited by the submitters: PubMed 17576681; PubMed 9536098.

NM_006796.3(AFG3L2):c.114+3G>A

Gene: AFG3L2 (AFG3 like matrix AAA peptidase subunit 2; minus strand). Cytogenetic location: 18p11.21.
Variant type: single nucleotide variant.
Coding change: c.114+3G>A on transcript NM_006796.3 (MANE Select); 3 bases into the intron after coding-DNA position 114, G replaced by A.
Molecular consequence: intron variant.
Genome position (GRCh38, 1-based): chr18:12,376,966, C>T on the plus strand (G>A on the coding strand, the complement: AFG3L2 is on the minus strand). VCF-style: chr18-12376966-C-T. GRCh37 (hg19) VCF-style: chr18-12376965-C-T.
Identifiers: ClinVar variation 2119289 (VCV002119289.4), dbSNP rs1319090480, ClinGen allele CA776223496.
Genomic context (GRCh38, chr18:12,376,966, plus strand): 5'-CTCCCGAGCCGGAAGTGGGCCCGAGGCAGGGTGGAGGGCGCCGGGCGCCCAGGTAGGACT[C>T]ACCGTCCGGAGGCAGGGCTGCTCGCCCGGGCCCACGCCGCCAGGCACGAGGAGCTGCTGT-3'